The following is an entry in ClinVar:

ClinVar aggregate classification (germline): Uncertain significance (1 of 4 stars; one submission).

Allele frequency attached by ClinVar (database versions not stated): gnomAD exomes below 0.00001; gnomAD 0.00001.
gnomAD v4.1: 8 of 1,613,108 alleles (0.0005%); highest among the groups gnomAD compares: South Asian, 0.0077%; no homozygotes.

Submission:

GeneDx
Classification: Uncertain significance. Last evaluated: 2019-05-24. Review status: criteria provided, single submitter. Criteria: GeneDx Variant Classification Process June 2021. Collection method: clinical testing. Allele origin: germline. Affected: yes.
Comment: Has not been previously published as pathogenic or benign to our knowledge; Not observed in large population cohorts (Lek et al., 2016); In silico analysis, which includes protein predictors and evolutionary conservation, supports that this variant does not alter protein structure/function

NM_001012339.3(DNAJC21):c.1544T>C (p.Leu515Ser)

Gene: DNAJC21 (DnaJ heat shock protein family (Hsp40) member C21; plus strand). Cytogenetic location: 5p13.2.
Variant type: single nucleotide variant.
Coding change: c.1544T>C on transcript NM_001012339.3 (MANE Select); coding-DNA position 1544, T replaced by C.
Protein change: p.Leu515Ser; replaces leucine 515 with serine.
Molecular consequence: missense variant.
Genome position (GRCh38, 1-based): chr5:34,954,662, T>C. VCF-style: chr5-34954662-T-C. GRCh37 (hg19) VCF-style: chr5-34954767-T-C.
Other names: c.1583T>C, p.Leu528Ser (NM_001348420.2); c.1679T>C, p.Leu560Ser (NM_194283.4); short protein forms L515S, L528S, L560S.
Identifiers: ClinVar variation 1305781 (VCV001305781.2), dbSNP rs1765482023, ClinGen allele CA359424387.